The following is an entry in ClinVar:

ClinVar aggregate classification (germline): Pathogenic (1 of 4 stars; one submission).

Conditions:
Kleefstra syndrome 1 (KLEFS1). Identifiers: Orphanet 261494, MedGen C0795833, MONDO:0027407, OMIM 610253.

Submission:

Laboratory of Genetics, Children's Clinical University Hospital Latvia
Classification: Pathogenic for Kleefstra syndrome 1. Review status: criteria provided, single submitter. Criteria: ACMG Guidelines, 2015. Collection method: curation. Allele origin: germline. Affected: yes.
Comment: Inheritance unknown

Literature cited by the submitters: PubMed 39013458.

NM_024757.5(EHMT1):c.817_818del (p.Gln273fs)

Gene: EHMT1 (euchromatic histone lysine methyltransferase 1; plus strand). Cytogenetic location: 9q34.3.
Variant type: Microsatellite.
Coding change: c.817_818del on transcript NM_024757.5 (MANE Select); coding-DNA positions 817 to 818, 2 bases deleted (CA; older notation c.817_818delCA).
Protein change: p.Gln273fs; shifts the reading frame from glutamine 273.
Molecular consequence: frameshift variant.
Genome position (GRCh38, 1-based): chr9:137,728,523-137,728,524, CA deleted; deleting any 2 consecutive bases within chr9:137,728,521-137,728,524 gives the same sequence; the c. name uses the placement nearest the transcript's 3' end. VCF-style (leftmost placement, unchanged base first): chr9-137728520-TCA-T. GRCh37 (hg19) VCF-style: chr9-140622972-TCA-T.
Other names: c.817_818del, p.Gln273fs (NM_001145527.2, NM_001354263.2, NM_001354611.2); c.724_725del, p.Gln242fs (NM_001354259.2, NM_001354612.2); short protein forms Q242fs, Q273fs.
Identifiers: ClinVar variation 3236865 (VCV003236865.1).